The following is an entry in ClinVar:

NM_014363.6(SACS):c.6030G>T (p.Lys2010Asn)

Gene: SACS (sacsin molecular chaperone; minus strand). Cytogenetic location: 13q12.12.
Variant type: single nucleotide variant.
Coding change: c.6030G>T on transcript NM_014363.6 (MANE Select); coding-DNA position 6030, G replaced by T.
Protein change: p.Lys2010Asn; replaces lysine 2010 with asparagine.
Molecular consequence: missense variant.
Genome position (GRCh38, 1-based): chr13:23,337,846, C>A on the plus strand (G>T on the coding strand, the complement: SACS is on the minus strand). VCF-style: chr13-23337846-C-A. GRCh37 (hg19) VCF-style: chr13-23911985-C-A.
Other names: c.5589G>T, p.Lys1863Asn (NM_001278055.2); short protein forms K2010N, K1863N.
Identifiers: ClinVar variation 448211 (VCV000448211.15), dbSNP rs769751841, ClinGen allele CA6911148.

ClinVar aggregate classification (germline): Conflicting classifications of pathogenicity. Review status: criteria provided, conflicting classifications (1 of 4 stars). 6 submissions from 6 submitters: Uncertain significance (3); Likely benign (1). 2 of the submissions do not count toward it. Last evaluated 2025-07-02.

Conditions:
Inborn genetic diseases. Identifiers: MedGen C0950123, MeSH D030342.
Charlevoix-Saguenay spastic ataxia (SACS). Also called: SPASTIC ATAXIA 6, AUTOSOMAL RECESSIVE; AUTOSOMAL RECESSIVE SPASTIC ATAXIA OF CHARLEVOIX-SAGUENAY; Spastic ataxia of Charlevoix-Saguenay. Identifiers: Orphanet 98, MedGen C1849140, MONDO:0010041, OMIM 270550.
SACS-related disorder. Also called: SACS-related condition.
Spastic paraplegia. Identifiers: MedGen C0037772, HP:0001258.

Allele frequency attached by ClinVar (database versions not stated): ExAC 0.00002; gnomAD exomes 0.00002 and 0.00009; gnomAD 0.00004; TOPMed 0.00005.
gnomAD v4.1: 127 of 1,613,780 alleles (0.0079%); highest among the groups gnomAD compares: Non-Finnish European, 0.011%; no homozygotes.

Submissions (6):

Ambry Genetics
Classification: Uncertain significance for Inborn genetic diseases. Last evaluated: 2025-07-02. Review status: criteria provided, single submitter. Criteria: Ambry Variant Classification Scheme 2023. Collection method: clinical testing. Allele origin: germline.

Labcorp Genetics (formerly Invitae), Labcorp
Classification: Likely benign for Spastic paraplegia. Last evaluated: 2024-02-29. Review status: criteria provided, single submitter. Criteria: Invitae Variant Classification Sherloc (09022015). Collection method: clinical testing. Allele origin: germline.

Genome-Nilou Lab
Classification: Uncertain significance for Charlevoix-Saguenay spastic ataxia. Last evaluated: 2021-09-05. Review status: criteria provided, single submitter. Criteria: ACMG Guidelines, 2015. Collection method: clinical testing. Allele origin: germline. Affected: no.

Athena Diagnostics
Classification: Uncertain significance. Last evaluated: 2016-11-28. Review status: criteria provided, single submitter. Criteria: Athena Diagnostics Criteria. Collection method: clinical testing. Allele origin: germline.

PreventionGenetics, part of Exact Sciences
Classification: Uncertain significance for SACS-related condition. Last evaluated: 2024-01-05. Review status: no assertion criteria provided. Collection method: clinical testing. Allele origin: germline. Not counted in ClinVar's aggregate classification.
Comment: The SACS c.6030G>T variant is predicted to result in the amino acid substitution p.Lys2010Asn. To our knowledge, this variant has not been reported in the literature. This variant is reported in 0.0035% of alleles in individuals of European (Non-Finnish) descent in gnomAD. At this time, the clinical significance of this variant is uncertain due to the absence of conclusive functional and genetic evidence.

Natera, Inc.
Classification: Uncertain significance for Charlevoix-Saguenay type spastic ataxia. Last evaluated: 2019-11-11. Review status: no assertion criteria provided. Collection method: clinical testing. Allele origin: germline. Not counted in ClinVar's aggregate classification.